The following is an entry in ClinVar:

ClinVar aggregate classification (germline): Uncertain significance (1 of 4 stars; one submission).

Conditions:
Long QT syndrome (LQTS). Identifiers: MedGen C0023976, MeSH D008133, MONDO:0002442. Disease mechanism: loss of function. Inheritance: Various modes of inheritance.

Submission:

Labcorp Genetics (formerly Invitae), Labcorp
Classification: Uncertain significance for Long QT syndrome. Last evaluated: 2024-03-12. Review status: criteria provided, single submitter. Criteria: Invitae Variant Classification Sherloc (09022015). Collection method: clinical testing. Allele origin: germline.
Comment: This sequence change replaces phenylalanine, which is neutral and non-polar, with isoleucine, which is neutral and non-polar, at codon 2939 of the AKAP9 protein (p.Phe2939Ile). This variant is not present in population databases (gnomAD no frequency). This variant has not been reported in the literature in individuals affected with AKAP9-related conditions. An algorithm developed to predict the effect of missense changes on protein structure and function (PolyPhen-2) suggests that this variant is likely to be disruptive. In summary, the available evidence is currently insufficient to determine the role of this variant in disease. Therefore, it has been classified as a Variant of Uncertain Significance.

NM_005751.5(AKAP9):c.8815T>A (p.Phe2939Ile)

Gene: AKAP9 (A-kinase anchoring protein 9; plus strand). Cytogenetic location: 7q21.2.
Variant type: single nucleotide variant.
Coding change: c.8815T>A on transcript NM_005751.5 (MANE Select); coding-DNA position 8815, T replaced by A.
Protein change: p.Phe2939Ile; replaces phenylalanine 2939 with isoleucine.
Molecular consequence: missense variant.
Genome position (GRCh38, 1-based): chr7:92,084,923, T>A. VCF-style: chr7-92084923-T-A. GRCh37 (hg19) VCF-style: chr7-91714237-T-A.
Other names: c.3460T>A, p.Phe1154Ile (NM_001379277.1); c.8791T>A, p.Phe2931Ile (NM_147185.3); short protein forms F1154I, F2939I, F2931I.
Identifiers: ClinVar variation 3725221 (VCV003725221.2).
Genomic context (GRCh38, chr7:92,084,923, plus strand): 5'-CAGGGATTTGACATAGCATCAGAAGGCCGAGGAGAAGAAAGTGAAAGTGCAACAGATTCC[T>A]TTCCAAAGAAAATAAAGGTACTAAAAGATAGATACCTTTTATTAACTCAGCCAGTGTTGT-3'
Protein context (NP_005742.4, residues 2929-2949): GEESESATDS[Phe2939Ile]PKKIKGLLRA